The following is an entry in ClinVar:

NM_173630.4(RTTN):c.6153+4C>T

Gene: RTTN (rotatin; minus strand). Cytogenetic location: 18q22.2.
Variant type: single nucleotide variant.
Coding change: c.6153+4C>T on transcript NM_173630.4 (MANE Select); 4 bases into the intron after coding-DNA position 6153, C replaced by T.
Molecular consequence: intron variant.
Genome position (GRCh38, 1-based): chr18:70,020,611, G>A on the plus strand (C>T on the coding strand, the complement: RTTN is on the minus strand). VCF-style: chr18-70020611-G-A. GRCh37 (hg19) VCF-style: chr18-67687847-G-A.
Other names: c.3417+4C>T (NM_001318520.2); c.6153+4C>T (NM_173630.3).
Identifiers: ClinVar variation 1917897 (VCV001917897.8), dbSNP rs374886350, ClinGen allele CA8994752.

ClinVar aggregate classification (germline): Conflicting classifications of pathogenicity. Review status: criteria provided, conflicting classifications (1 of 4 stars). 3 submissions from 3 submitters: Uncertain significance (1); Likely benign (1). 1 of the submissions does not count toward it. Last evaluated 2025-07-02.

Conditions:
RTTN-related disorder. Also called: RTTN-related condition.

Allele frequency attached by ClinVar (database versions not stated): TOPMed 0.00003; gnomAD 0.00004; gnomAD exomes 0.00005; ExAC 0.00008; ESP Exome Variant Server 0.00008.
gnomAD v4.1: 81 of 1,610,428 alleles (0.005%); highest among the groups gnomAD compares: Non-Finnish European, 0.006%; no homozygotes.

Submissions (3):

Labcorp Genetics (formerly Invitae), Labcorp
Classification: Uncertain significance. Last evaluated: 2025-07-02. Review status: criteria provided, single submitter. Criteria: Invitae Variant Classification Sherloc (09022015). Collection method: clinical testing. Allele origin: germline.
Comment: This sequence change falls in intron 45 of the RTTN gene. It does not directly change the encoded amino acid sequence of the RTTN protein. It affects a nucleotide within the consensus splice site. This variant is present in population databases (rs374886350, gnomAD 0.01%). This variant has not been reported in the literature in individuals affected with RTTN-related conditions. ClinVar contains an entry for this variant (Variation ID: 1917897). Variants that disrupt the consensus splice site are a relatively common cause of aberrant splicing (PMID: 17576681, 9536098). Algorithms developed to predict the effect of sequence changes on RNA splicing suggest that this variant is not likely to affect RNA splicing. In summary, the available evidence is currently insufficient to determine the role of this variant in disease. Therefore, it has been classified as a Variant of Uncertain Significance.

Blueprint Genetics
Classification: Likely benign. Last evaluated: 2024-10-14. Review status: criteria provided, single submitter. Criteria: ACMG Guidelines, 2015. Collection method: clinical testing. Allele origin: germline.

PreventionGenetics, part of Exact Sciences
Classification: Likely benign for RTTN-related condition. Last evaluated: 2020-08-06. Review status: no assertion criteria provided. Collection method: clinical testing. Allele origin: germline. Not counted in ClinVar's aggregate classification.
Comment: This variant is classified as likely benign based on ACMG/AMP sequence variant interpretation guidelines (Richards et al. 2015 PMID: 25741868, with internal and published modifications).

Literature cited by the submitters: PubMed 17576681 (cited by Labcorp Genetics (formerly Invitae), Labcorp); PubMed 9536098 (cited by Labcorp Genetics (formerly Invitae), Labcorp).